The following is an entry in ClinVar:

ClinVar aggregate classification (germline): Uncertain significance. Review status: criteria provided, multiple submitters, no conflicts (2 of 4 stars). 2 submissions from 2 submitters: Uncertain significance (2). Last evaluated 2022-03-31.

Conditions:
DICER1-related tumor predisposition. Also called: DICER1 syndrome; DICER1-related pleuropulmonary blastoma cancer predisposition syndrome. Identifiers: Orphanet 284343, MedGen C3839822, MONDO:0100216.
Hereditary cancer-predisposing syndrome. Also called: Neoplastic Syndromes, Hereditary; Hereditary neoplastic syndrome; Hereditary Cancer Syndrome; Tumor predisposition. Identifiers: Orphanet 140162, MedGen C0027672, MeSH D009386, MONDO:0015356.

Allele frequency attached by ClinVar (database versions not stated): gnomAD exomes below 0.00001.
gnomAD v4.1: 1 of 1,614,184 alleles (0.000062%); highest among the groups gnomAD compares: Non-Finnish European, 0.000085%; no homozygotes.

Submissions (2):

Ambry Genetics
Classification: Uncertain significance for Hereditary cancer-predisposing syndrome. Last evaluated: 2022-03-31. Review status: criteria provided, single submitter. Criteria: Ambry Variant Classification Scheme 2023. Collection method: clinical testing. Allele origin: germline.
Comment: The p.L1290V variant (also known as c.3868C>G), located in coding exon 20 of the DICER1 gene, results from a C to G substitution at nucleotide position 3868. The leucine at codon 1290 is replaced by valine, an amino acid with highly similar properties. This amino acid position is conserved. In addition, the in silico prediction for this alteration is inconclusive. Since supporting evidence is limited at this time, the clinical significance of this alteration remains unclear.

Labcorp Genetics (formerly Invitae), Labcorp
Classification: Uncertain significance for DICER1-related tumor predisposition. Last evaluated: 2021-08-09. Review status: criteria provided, single submitter. Criteria: Invitae Variant Classification Sherloc (09022015). Collection method: clinical testing. Allele origin: germline.
Comment: In summary, the available evidence is currently insufficient to determine the role of this variant in disease. Therefore, it has been classified as a Variant of Uncertain Significance. Algorithms developed to predict the effect of missense changes on protein structure and function are either unavailable or do not agree on the potential impact of this missense change (SIFT: "Deleterious"; PolyPhen-2: "Benign"; Align-GVGD: "Class C15"). This variant has not been reported in the literature in individuals affected with DICER1-related conditions. This variant is not present in population databases (ExAC no frequency). This sequence change replaces leucine with valine at codon 1290 of the DICER1 protein (p.Leu1290Val). The leucine residue is highly conserved and there is a small physicochemical difference between leucine and valine.

NM_177438.3(DICER1):c.3868C>G (p.Leu1290Val)

Gene: DICER1 (dicer 1, ribonuclease III; minus strand). Cytogenetic location: 14q32.13.
Variant type: single nucleotide variant.
Coding change: c.3868C>G on transcript NM_177438.3 (MANE Select); coding-DNA position 3868, C replaced by G.
Protein change: p.Leu1290Val; replaces leucine 1290 with valine.
Molecular consequence: missense variant.
Genome position (GRCh38, 1-based): chr14:95,103,528, G>C on the plus strand (C>G on the coding strand, the complement: DICER1 is on the minus strand). VCF-style: chr14-95103528-G-C. GRCh37 (hg19) VCF-style: chr14-95569865-G-C.
Other names: c.3868C>G, p.Leu1290Val (NM_001195573.1, NM_001271282.3, NM_001291628.2 and 1 more transcripts); short protein forms L1290V.
Identifiers: ClinVar variation 1399772 (VCV001399772.9), dbSNP rs1060503650, ClinGen allele CA390873277.